The following is an entry in ClinVar:

NM_178335.3(CCDC50):c.1196G>A (p.Arg399Gln)

Gene: CCDC50 (coiled-coil domain containing 50; plus strand). Cytogenetic location: 3q28.
Variant type: single nucleotide variant.
Coding change: c.1196G>A on transcript NM_178335.3 (MANE Select); coding-DNA position 1196, G replaced by A.
Protein change: p.Arg399Gln; replaces arginine 399 with glutamine.
Molecular consequence: missense variant.
Genome position (GRCh38, 1-based): chr3:191,380,886, G>A. VCF-style: chr3-191380886-G-A. GRCh37 (hg19) VCF-style: chr3-191098675-G-A.
Other names: c.668G>A, p.Arg223Gln (NM_174908.4); short protein forms R223Q, R399Q.
Identifiers: ClinVar variation 4527732 (VCV004527732.1).

ClinVar aggregate classification (germline): Uncertain significance (1 of 4 stars; one submission).

Submission:

GeneDx
Classification: Uncertain significance. Last evaluated: 2025-05-01. Review status: criteria provided, single submitter. Criteria: GeneDx Variant Classification Process June 2021. Collection method: clinical testing. Allele origin: germline. Affected: yes.
Comment: In silico analysis suggests that this missense variant does not alter protein structure/function; Has not been previously published as pathogenic or benign to our knowledge